The following is an entry in ClinVar:

NM_016180.5(SLC45A2):c.1336A>G (p.Ile446Val)

Gene: SLC45A2 (solute carrier family 45 member 2; minus strand). Cytogenetic location: 5p13.2.
Variant type: single nucleotide variant.
Coding change: c.1336A>G on transcript NM_016180.5 (MANE Select); coding-DNA position 1336, A replaced by G.
Protein change: p.Ile446Val; replaces isoleucine 446 with valine.
Molecular consequence: missense variant.
Genome position (GRCh38, 1-based): chr5:33,947,195, T>C on the plus strand (A>G on the coding strand, the complement: SLC45A2 is on the minus strand). VCF-style: chr5-33947195-T-C. GRCh37 (hg19) VCF-style: chr5-33947300-T-C.
Other names: c.1336A>G, p.Ile446Val (NM_001012509.4); short protein forms I446V.
Identifiers: ClinVar variation 1354835 (VCV001354835.6), dbSNP rs151214882, ClinGen allele CA359388167.

ClinVar aggregate classification (germline): Uncertain significance (1 of 4 stars; one submission).

Allele frequency attached by ClinVar (database versions not stated): gnomAD exomes below 0.00001.
gnomAD v4.1: 1 of 1,614,100 alleles (0.000062%); highest among the groups gnomAD compares: Admixed American, 0.0017%; no homozygotes.

Submission:

Labcorp Genetics (formerly Invitae), Labcorp
Classification: Uncertain significance. Last evaluated: 2022-03-04. Review status: criteria provided, single submitter. Criteria: Invitae Variant Classification Sherloc (09022015). Collection method: clinical testing. Allele origin: germline.
Comment: This variant has not been reported in the literature in individuals affected with SLC45A2-related conditions. In summary, the available evidence is currently insufficient to determine the role of this variant in disease. Therefore, it has been classified as a Variant of Uncertain Significance. Algorithms developed to predict the effect of missense changes on protein structure and function (SIFT, PolyPhen-2, Align-GVGD) all suggest that this variant is likely to be tolerated. This variant is present in population databases (no rsID available, gnomAD 0.003%). This sequence change replaces isoleucine, which is neutral and non-polar, with valine, which is neutral and non-polar, at codon 446 of the SLC45A2 protein (p.Ile446Val).